The following is an entry in ClinVar:

ClinVar aggregate classification (germline): Uncertain significance (1 of 4 stars; one submission).

Allele frequency attached by ClinVar (database versions not stated): gnomAD exomes below 0.00001; TOPMed 0.00001; ExAC 0.00003.
gnomAD v4.1: 6 of 1,586,316 alleles (0.00038%); highest among the groups gnomAD compares: South Asian, 0.0035%; no homozygotes.

Submission:

GeneDx
Classification: Uncertain significance. Last evaluated: 2023-10-04. Review status: criteria provided, single submitter. Criteria: GeneDx Variant Classification Process June 2021. Collection method: clinical testing. Allele origin: germline. Affected: yes.
Comment: Nucleotide substitution has no predicted effect on splicing and is not conserved across species; Has not been previously published as pathogenic or benign to our knowledge

NM_003073.5(SMARCB1):c.*8A>G

Gene: SMARCB1 (SWI/SNF related BAF chromatin remodeling complex subunit B1; plus strand). Cytogenetic location: 22q11.23.
Variant type: single nucleotide variant.
Coding change: c.*8A>G on transcript NM_003073.5 (MANE Select); 8 bases downstream of the stop codon, A replaced by G.
Molecular consequence: 3 prime UTR variant.
Genome position (GRCh38, 1-based): chr22:23,834,188, A>G. VCF-style: chr22-23834188-A-G. GRCh37 (hg19) VCF-style: chr22-24176375-A-G.
Other names: c.*8A>G (NM_001007468.3, NM_001317946.2, NM_001362877.2).
Identifiers: ClinVar variation 3252747 (VCV003252747.1), dbSNP rs777681289.